The following is an entry in ClinVar:

ClinVar aggregate classification (germline): Conflicting classifications of pathogenicity. Review status: criteria provided, conflicting classifications (1 of 4 stars). 7 submissions from 7 submitters: Uncertain significance (2); Likely benign (5). Last evaluated 2026-05-01.

Conditions:
Congenital contractural arachnodactyly (CCA). Also called: Arthrogryposis, distal, type 9; BEALS SYNDROME; Beals-Hecht syndrome. Identifiers: Orphanet 115, MedGen C0220668, MONDO:0007363, OMIM 121050.
Macular degeneration, early-onset (EOMD). Identifiers: MedGen C4015286, MONDO:0014501, OMIM 616118.
Familial thoracic aortic aneurysm and aortic dissection (TAAD). Also called: Thoracic aortic aneurysms and dissections. Identifiers: Orphanet 91387, MedGen C4707243, MONDO:0019625.

Allele frequency attached by ClinVar (database versions not stated): ESP Exome Variant Server 0.00008; gnomAD 0.00010; TOPMed 0.00010; ExAC 0.00012.
gnomAD v4.1: 71 of 1,614,022 alleles (0.0044%); highest among the groups gnomAD compares: East Asian, 0.056%; 1 homozygote.

Submissions (7):

CeGaT Center for Human Genetics Tuebingen
Classification: Likely benign. Last evaluated: 2026-05-01. Review status: criteria provided, single submitter. Criteria: CeGaT Center For Human Genetics Tuebingen Variant Classification Criteria Version 2. Collection method: clinical testing. Allele origin: germline. Affected: yes. Observed: 1 variant allele.
Comment: FBN2: BS2

Labcorp Genetics (formerly Invitae), Labcorp
Classification: Likely benign for Congenital contractural arachnodactyly. Last evaluated: 2025-12-29. Review status: criteria provided, single submitter. Criteria: Invitae Variant Classification Sherloc (09022015). Collection method: clinical testing. Allele origin: germline.

GeneDx
Classification: Uncertain significance. Last evaluated: 2025-09-30. Review status: criteria provided, single submitter. Criteria: GeneDx Variant Classification Process June 2021. Collection method: clinical testing. Allele origin: germline. Affected: yes.
Comment: Reported in two Dutch individuals with aortic aneurysm and/or dissection (PMID: 29907982); In silico analysis supports that this missense variant has a deleterious effect on protein structure/function; This variant is associated with the following publications: (PMID: 29907982)

Women's Health and Genetics/Laboratory Corporation of America, LabCorp
Classification: Likely benign. Last evaluated: 2024-09-16. Review status: criteria provided, single submitter. Criteria: LabCorp Variant Classification Summary - May 2015. Collection method: clinical testing. Allele origin: germline.
Comment: Variant summary: FBN2 c.2717G>A (p.Arg906His) results in a non-conservative amino acid change located in the TB domain (IPR017878) of the encoded protein sequence. Four of five in-silico tools predict a damaging effect of the variant on protein function. The variant allele was found at a frequency of 0.00011 in 251404 control chromosomes. The observed variant frequency is approximately 85.92 fold of the estimated maximal expected allele frequency for a pathogenic variant in FBN2 causing Aortopathy phenotype (1.3e-06). c.2717G>A has been reported in the literature in individuals affected with Aortopathy (Overwater_2018). These report(s) do not provide unequivocal conclusions about association of the variant with Aortopathy. To our knowledge, no experimental evidence demonstrating an impact on protein function has been reported. The following publication has been ascertained in the context of this evaluation (PMID: 29907982). ClinVar contains an entry for this variant (Variation ID: 411821). Based on the evidence outlined above, the variant was classified as likely benign.

Department of Pathology and Laboratory Medicine, Sinai Health System
Classification: Likely benign for Congenital contractural arachnodactyly; Macular degeneration, early-onset. Last evaluated: 2022-02-03. Review status: criteria provided, single submitter. Criteria: ACMG Guidelines, 2015. Collection method: research. Allele origin: germline.

Ambry Genetics
Classification: Uncertain significance for Familial thoracic aortic aneurysm and aortic dissection. Last evaluated: 2022-01-07. Review status: criteria provided, single submitter. Criteria: Ambry Variant Classification Scheme 2023. Collection method: clinical testing. Allele origin: germline.
Comment: The p.R906H variant (also known as c.2717G>A), located in coding exon 21 of the FBN2 gene, results from a G to A substitution at nucleotide position 2717. The arginine at codon 906 is replaced by histidine, an amino acid with highly similar properties. This variant was reported in two individuals from a thoracic aortic aneurysm and dissection (TAAD) cohort; however, clinical details were limited (Overwater E et al. Hum Mutat, 2018 09;39:1173-1192). This amino acid position is highly conserved in available vertebrate species. In addition, the in silico prediction for this alteration is inconclusive. Since supporting evidence is limited at this time, the clinical significance of this alteration remains unclear.

Illumina Laboratory Services, Illumina
Classification: Likely benign for Congenital contractural arachnodactyly. Last evaluated: 2018-01-12. Review status: criteria provided, single submitter. Criteria: ICSL Variant Classification Criteria 13 December 2019. Collection method: clinical testing. Allele origin: germline.
Comment: This variant was observed in the ICSL laboratory as part of a predisposition screen in an ostensibly healthy population. It had not been previously curated by ICSL or reported in the Human Gene Mutation Database (HGMD: prior to June 1st, 2018), and was therefore a candidate for classification through an automated scoring system. Utilizing variant allele frequency, disease prevalence and penetrance estimates, and inheritance mode, an automated score was calculated to assess if this variant is too frequent to cause the disease. Based on the score and internal cut-off values, a variant classified as likely benign is not then subjected to further curation. The score for this variant resulted in a classification of likely benign for this disease.

Literature cited by the submitters: PubMed 29907982 (cited by Women's Health and Genetics/Laboratory Corporation of America, LabCorp and Ambry Genetics).

NM_001999.4(FBN2):c.2717G>A (p.Arg906His)

Gene: FBN2 (fibrillin 2; minus strand). Cytogenetic location: 5q23.3.
Variant type: single nucleotide variant.
Coding change: c.2717G>A on transcript NM_001999.4 (MANE Select); coding-DNA position 2717, G replaced by A.
Protein change: p.Arg906His; replaces arginine 906 with histidine.
Molecular consequence: missense variant.
Genome position (GRCh38, 1-based): chr5:128,350,963, C>T on the plus strand (G>A on the coding strand, the complement: FBN2 is on the minus strand). VCF-style: chr5-128350963-C-T. GRCh37 (hg19) VCF-style: chr5-127686655-C-T.
Other names: short protein forms R906H.
Identifiers: ClinVar variation 411821 (VCV000411821.27), dbSNP rs370973542, ClinGen allele CA3395466.